The following is an entry in ClinVar:

ClinVar aggregate classification (germline): Pathogenic (1 of 4 stars; one submission).

Submission:

Labcorp Genetics (formerly Invitae), Labcorp
Classification: Pathogenic. Last evaluated: 2023-11-20. Review status: criteria provided, single submitter. Criteria: Invitae Variant Classification Sherloc (09022015). Collection method: clinical testing. Allele origin: unknown.
Comment: This variant is a gross deletion of the genomic region encompassing exon(s) 85 of the ADGRV1 gene. This deletion is out-of-frame, and is expected to create a premature termination codon and result in an absent or disrupted protein product. Loss-of-function variants in ADGRV1 are known to be pathogenic (PMID: 19357117, 22135276, 22147658, 26226137, 30718709, 31047384, 32467589). A similar copy number variant has been observed in individual(s) with Usher syndrome (PMID: 30459346). For these reasons, this variant has been classified as Pathogenic.

Literature cited by the submitters: PubMed 19357117; PubMed 22135276; PubMed 22147658; PubMed 26226137; PubMed 30718709; PubMed 31047384; PubMed 32467589; PubMed 30459346.

NC_000005.9:g.(?_90281141)_(90281359_?)del

Gene: ADGRV1 (adhesion G protein-coupled receptor V1; plus strand). Cytogenetic location: 5q14.3.
Variant type: Deletion.
Identifiers: ClinVar variation 3246536 (VCV003246536.1).